The following is an entry in ClinVar:

NM_014991.6(WDFY3):c.10457+5G>A

Gene: WDFY3 (WD repeat and FYVE domain containing 3; minus strand). Cytogenetic location: 4q21.23.
Variant type: single nucleotide variant.
Coding change: c.10457+5G>A on transcript NM_014991.6 (MANE Select); 5 bases into the intron after coding-DNA position 10457, G replaced by A.
Molecular consequence: intron variant.
Genome position (GRCh38, 1-based): chr4:84,677,194, C>T on the plus strand (G>A on the coding strand, the complement: WDFY3 is on the minus strand). VCF-style: chr4-84677194-C-T. GRCh37 (hg19) VCF-style: chr4-85598347-C-T.
Identifiers: ClinVar variation 4282099 (VCV004282099.1).
Genomic context (GRCh38, chr4:84,677,194, plus strand): 5'-AGGACATAATTAACAACCTTAGAGCTTAATCAATGTAAATTCAAAAAGCAGATATCTTAT[C>T]TTACTTCTGGCAGAAGAGCTGACCACAGTTCCTGCAATGGTGTCGTCTTTCTGTGAGTGA-3'

ClinVar aggregate classification (germline): Uncertain significance (1 of 4 stars; one submission).

Submission:

GeneDx
Classification: Uncertain significance. Last evaluated: 2025-04-10. Review status: criteria provided, single submitter. Criteria: GeneDx Variant Classification Process June 2021. Collection method: clinical testing. Allele origin: germline. Affected: yes.
Comment: Not observed at significant frequency in large population cohorts (gnomAD); In silico analysis supports a deleterious effect on splicing; Has not been previously published as pathogenic or benign to our knowledge